The following is an entry in ClinVar:

NM_001394372.1(BICRA):c.635C>T (p.Pro212Leu)

Gene: BICRA (BRD4 interacting chromatin remodeling complex associated protein; plus strand). Cytogenetic location: 19q13.33.
Variant type: single nucleotide variant.
Coding change: c.635C>T on transcript NM_001394372.1 (MANE Select); coding-DNA position 635, C replaced by T.
Protein change: p.Pro212Leu; replaces proline 212 with leucine.
Molecular consequence: missense variant.
Genome position (GRCh38, 1-based): chr19:47,679,805, C>T. VCF-style: chr19-47679805-C-T. GRCh37 (hg19) VCF-style: chr19-48183062-C-T.
Other names: c.635C>T, p.Pro212Leu (NM_015711.3); short protein forms P212L.
Identifiers: ClinVar variation 1878946 (VCV001878946.1), dbSNP rs2514108437, ClinGen allele CA406609850.

ClinVar aggregate classification (germline): Uncertain significance (1 of 4 stars; one submission).

Allele frequency attached by ClinVar (database versions not stated): gnomAD exomes below 0.00001.
gnomAD v4.1: 4 of 1,487,662 alleles (0.00027%); highest among the groups gnomAD compares: Non-Finnish European, 0.00036%; no homozygotes.

Submission:

GeneDx
Classification: Uncertain significance. Last evaluated: 2022-07-12. Review status: criteria provided, single submitter. Criteria: GeneDx Variant Classification Process June 2021. Collection method: clinical testing. Allele origin: germline. Affected: yes.
Comment: Not observed at significant frequency in large population cohorts (gnomAD); In silico analysis supports that this missense variant has a deleterious effect on protein structure/function; Has not been previously published as pathogenic or benign to our knowledge.